The following is an entry in ClinVar:

NM_001374736.1(DST):c.12144G>T (p.Gly4048=)

Gene: DST (dystonin; minus strand). Cytogenetic location: 6p12.1.
Variant type: single nucleotide variant.
Coding change: c.12144G>T on transcript NM_001374736.1 (MANE Select); coding-DNA position 12144, G replaced by T.
Protein change: p.Gly4048=; no amino-acid change (glycine 4048 retained).
Molecular consequence: synonymous variant.
Genome position (GRCh38, 1-based): chr6:56,597,791, C>A on the plus strand (G>T on the coding strand, the complement: DST is on the minus strand). VCF-style: chr6-56597791-C-A. GRCh37 (hg19) VCF-style: chr6-56462589-C-A.
Other names: c.5787G>T, p.Gly1929= (NM_001144769.5); c.5373G>T, p.Gly1791= (NM_001144770.2); c.12144G>T, p.Gly4048= (NM_001374722.1); c.11511G>T, p.Gly3837= (NM_001374729.1); c.5253G>T, p.Gly1751= (NM_001374730.1, NM_001386100.1, NM_183380.4); c.12171G>T, p.Gly4057= (NM_001374734.1); c.4275G>T, p.Gly1425= (NM_015548.5).
Identifiers: ClinVar variation 4978623 (VCV004978623.1).
Genomic context (GRCh38, chr6:56,597,791, plus strand): 5'-ACAACACACCTTAACTTTCTGATATTGCTGATTCAGATTCTCCTGAGTGGTTCCAACTTG[C>A]CCATCAACATCAGTCTCCAACAGGTTACCATTAACTTCATCCTCTTCTCCAATTGCTGAC-3'
Protein context (NP_001361665.1, residues 4038-4058): NGNLLETDVD[Gly4048=]QVGTTQENLN

ClinVar aggregate classification (germline): Likely benign (1 of 4 stars; one submission).

Conditions:
DST-related disorder. Also called: DST-related disorders; DST-related condition.

gnomAD v4.1: 12 of 1,613,802 alleles (0.00074%); highest among the groups gnomAD compares: African/African-American, 0.016%; no homozygotes.

Submission:

PreventionGenetics, part of Exact Sciences
Classification: Likely benign for DST-related condition. Last evaluated: 2025-04-04. Review status: criteria provided, single submitter. Criteria: ACMG Guidelines, 2015. Collection method: clinical testing. Allele origin: germline.
Comment: This variant is classified as likely benign based on ACMG/AMP sequence variant interpretation guidelines (Richards et al. 2015 PMID: 25741868, with internal and published modifications).